The following is an entry in ClinVar:

NM_002734.5(PRKAR1A):c.973+19_973+37del

Gene: PRKAR1A (protein kinase cAMP-dependent type I regulatory subunit alpha; plus strand). Cytogenetic location: 17q24.2.
Variant type: Deletion.
Coding change: c.973+19_973+37del on transcript NM_002734.5 (MANE Select); bases 19 to 37 of the intron after coding-DNA position 973, 19 bases deleted (ACAATAAATACATGGTTTC).
Molecular consequence: intron variant.
Genome position (GRCh38, 1-based): chr17:68,530,020-68,530,038, ACAATAAATACATGGTTTC deleted; deleting any 19 consecutive bases within chr17:68,530,018-68,530,038 gives the same sequence; the c. name uses the placement nearest the transcript's 3' end. VCF-style (leftmost placement, unchanged base first): chr17-68530017-CTCACAATAAATACATGGTT-C. GRCh37 (hg19) VCF-style: chr17-66526158-CTCACAATAAATACATGGTT-C.
Other names: c.973+19_973+37del (NM_001276290.1, NM_001278433.2, NM_001369389.1 and 4 more transcripts).
Identifiers: ClinVar variation 3658960 (VCV003658960.2).

ClinVar aggregate classification (germline): Uncertain significance (1 of 4 stars; one submission).

Conditions:
Carney complex, type 1 (CNC1). Also called: CARNEY COMPLEX, TYPE I; CARNEY MYXOMA-ENDOCRINE COMPLEX. Identifiers: Orphanet 1359, MedGen C2607929, MONDO:0008057, OMIM 160980.

Submission:

Labcorp Genetics (formerly Invitae), Labcorp
Classification: Uncertain significance for Carney complex, type 1. Last evaluated: 2024-07-08. Review status: criteria provided, single submitter. Criteria: Invitae Variant Classification Sherloc (09022015). Collection method: clinical testing. Allele origin: germline.
Comment: This sequence change falls in intron 10 of the PRKAR1A gene. It does not directly change the encoded amino acid sequence of the PRKAR1A protein. This variant is not present in population databases (gnomAD no frequency). This variant has not been reported in the literature in individuals affected with PRKAR1A-related conditions. Experimental studies and prediction algorithms are not available or were not evaluated, and the functional significance of this variant is currently unknown. In summary, the available evidence is currently insufficient to determine the role of this variant in disease. Therefore, it has been classified as a Variant of Uncertain Significance.